The following is an entry in ClinVar:

ClinVar aggregate classification (germline): Uncertain significance. Review status: criteria provided, multiple submitters, no conflicts (2 of 4 stars). 2 submissions from 2 submitters: Uncertain significance (2). Last evaluated 2025-01-30.

Conditions:
Inborn genetic diseases. Identifiers: MedGen C0950123, MeSH D030342.
Fanconi anemia (FA). Also called: Fanconi's anemia. Identifiers: Orphanet 84, MedGen C0015625, MeSH D005199, MONDO:0019391.

Allele frequency attached by ClinVar (database versions not stated): ExAC 0.00001.
gnomAD v4.1: 1 of 1,614,188 alleles (0.000062%); highest among the groups gnomAD compares: Admixed American, 0.0017%; no homozygotes.

Submissions (2):

Ambry Genetics
Classification: Uncertain significance for Inborn genetic diseases. Last evaluated: 2025-01-30. Review status: criteria provided, single submitter. Criteria: Ambry Variant Classification Scheme 2023. Collection method: clinical testing. Allele origin: germline.
Comment: The p.S309R variant (also known as c.927T>G), located in coding exon 11 of the FANCA gene, results from a T to G substitution at nucleotide position 927. The serine at codon 309 is replaced by arginine, an amino acid with dissimilar properties. This amino acid position is conserved. In addition, this alteration is predicted to be tolerated by in silico analysis. Based on the available evidence, the clinical significance of this variant remains unclear.

Labcorp Genetics (formerly Invitae), Labcorp
Classification: Uncertain significance for Fanconi anemia. Last evaluated: 2023-07-10. Review status: criteria provided, single submitter. Criteria: Invitae Variant Classification Sherloc (09022015). Collection method: clinical testing. Allele origin: germline.
Comment: This variant has not been reported in the literature in individuals affected with FANCA-related conditions. This sequence change replaces serine, which is neutral and polar, with arginine, which is basic and polar, at codon 309 of the FANCA protein (p.Ser309Arg). This variant is present in population databases (rs780226614, gnomAD 0.003%). Advanced modeling of protein sequence and biophysical properties (such as structural, functional, and spatial information, amino acid conservation, physicochemical variation, residue mobility, and thermodynamic stability) performed at Invitae indicates that this missense variant is not expected to disrupt FANCA protein function. In summary, the available evidence is currently insufficient to determine the role of this variant in disease. Therefore, it has been classified as a Variant of Uncertain Significance.

NM_000135.4(FANCA):c.927T>G (p.Ser309Arg)

Gene: FANCA (FA complementation group A; minus strand). Cytogenetic location: 16q24.3.
Variant type: single nucleotide variant.
Coding change: c.927T>G on transcript NM_000135.4 (MANE Select); coding-DNA position 927, T replaced by G.
Protein change: p.Ser309Arg; replaces serine 309 with arginine.
Molecular consequence: missense variant.
Genome position (GRCh38, 1-based): chr16:89,795,985, A>C on the plus strand (T>G on the coding strand, the complement: FANCA is on the minus strand). VCF-style: chr16-89795985-A-C. GRCh37 (hg19) VCF-style: chr16-89862393-A-C.
Other names: c.927T>G, p.Ser309Arg (NM_001286167.3); short protein forms S309R.
Identifiers: ClinVar variation 3007446 (VCV003007446.4), dbSNP rs780226614, ClinGen allele CA8252624.
Genomic context (GRCh38, chr16:89,795,985, plus strand): 5'-AGTGAGTATCTGAGTCAGGGTATGACTGAAGAACCTCTTCAGAGGATCTGTGGAAATTAC[A>C]CTGCCAAGCGTGTGTCCACTGAACACTCCGAACCTGCCAATGCAGCAGAAAGAGGGGTCA-3'
Protein context (NP_000126.2, residues 299-319): FGVFSGHTLG[Ser309Arg]VISTDPLKRF